The following is an entry in ClinVar:

ClinVar aggregate classification (germline): Uncertain significance. Review status: criteria provided, multiple submitters, no conflicts (2 of 4 stars). 2 submissions from 2 submitters: Uncertain significance (2). Last evaluated 2026-01-15.

Conditions:
Hereditary cancer-predisposing syndrome. Also called: Hereditary neoplastic syndrome; Neoplastic Syndromes, Hereditary; Tumor predisposition; Hereditary Cancer Syndrome. Identifiers: Orphanet 140162, MedGen C0027672, MeSH D009386, MONDO:0015356.
Hereditary breast ovarian cancer syndrome. Also called: Hereditary breast and ovarian cancer syndrome; BRCA1- and BRCA2-Associated Hereditary Breast and Ovarian Cancer; Hereditary breast and ovarian cancer; Hereditary breast and ovarian cancer syndrome (HBOC); Breast and ovarian cancer; Hereditary breast and/or ovarian cancer syndrome. Identifiers: Orphanet 145, MedGen C0677776, MeSH D061325, MONDO:0003582. Disease mechanism: loss of function.

Submissions (2):

Labcorp Genetics (formerly Invitae), Labcorp
Classification: Uncertain significance for Hereditary breast ovarian cancer syndrome. Last evaluated: 2026-01-15. Review status: criteria provided, single submitter. Criteria: Invitae Variant Classification Sherloc (09022015). Collection method: clinical testing. Allele origin: germline.
Comment: This variant, c.4713_4715del, results in the deletion of 1 amino acid(s) of the BRCA1 protein (p.Ser1572del), but otherwise preserves the integrity of the reading frame. This variant is not present in population databases (gnomAD no frequency). This variant has not been reported in the literature in individuals affected with BRCA1-related conditions. ClinVar contains an entry for this variant (Variation ID: 3825323). Experimental studies and prediction algorithms are not available or were not evaluated, and the functional significance of this variant is currently unknown. In summary, the available evidence is currently insufficient to determine the role of this variant in disease. Therefore, it has been classified as a Variant of Uncertain Significance.

Ambry Genetics
Classification: Uncertain significance for Hereditary cancer-predisposing syndrome. Last evaluated: 2025-02-27. Review status: criteria provided, single submitter. Criteria: Ambry Variant Classification Scheme 2023. Collection method: clinical testing. Allele origin: germline.
Comment: The c.4713_4715delCTC variant (also known as p.S1572del) is located in coding exon 14 of the BRCA1 gene. This variant results from an in-frame CTC deletion at nucleotide positions 4713 to 4715. This results in the in-frame deletion of a serine at codon 1572. This nucleotide region is well conserved in available vertebrate species. In addition, this alteration is predicted to be neutral by in silico analysis (Choi Y et al. PLoS ONE. 2012; 7(10):e46688). Based on the available evidence, the clinical significance of this variant remains unclear.

NM_007294.4(BRCA1):c.4713_4715del (p.Ser1572del)

Gene: BRCA1 (BRCA1 DNA repair associated; minus strand). Cytogenetic location: 17q21.31.
Variant type: Deletion.
Coding change: c.4713_4715del on transcript NM_007294.4 (MANE Select); coding-DNA positions 4713 to 4715, 3 bases deleted (CTC; older notation c.4713_4715delCTC).
Protein change: p.Ser1572del; deletes serine 1572.
Molecular consequence: inframe deletion. On other transcripts: intron variant (1).
Genome position (GRCh38, 1-based): chr17:43,071,199-43,071,201, GAG deleted on the plus strand (CTC on the coding strand, the reverse complement: BRCA1 is on the minus strand). VCF-style (leftmost placement, unchanged base first): chr17-43071198-AGAG-A. GRCh37 (hg19) VCF-style: chr17-41223215-AGAG-A.
Other names: c.1278_1280del, p.Ser427del (NM_001408436.1, NM_001408437.1, NM_001408438.1 and 10 more transcripts); c.1275_1277del, p.Ser426del (NM_001408445.1, NM_001408446.1, NM_001408447.1 and 2 more transcripts); c.1269_1271del, p.Ser424del (NM_001408451.1); c.1263_1265del, p.Ser422del (NM_001408452.1, NM_001408453.1, NM_001408454.1 and 3 more transcripts); c.1260_1262del, p.Ser421del (NM_001408465.1, NM_001408458.1, NM_001408459.1 and 7 more transcripts); c.4500_4502del, p.Ser1501del (NM_001407571.1, NM_001407894.1, NM_001407895.1 and 12 more transcripts); c.4779_4781del, p.Ser1594del (NM_001407581.1, NM_001407582.1); c.4776_4778del, p.Ser1593del (NM_001407583.1, NM_001407585.1, NM_001407587.1 and 1 more transcripts); and 71 more; short protein forms S1445del, S1460del, S1482del, S1523del, S1530del, S1531del, S1567del, S1568del.
Identifiers: ClinVar variation 3825323 (VCV003825323.2).
Genomic context (GRCh38, chr17:43,071,198, plus strand): 5'-GTTGCCAACACGAGCTGACTCTGGGGCTCTGTCTTCAGAAGGATCAGATTCAGGGTCATC[AGAG>A]AAGAGGCTGATTCCAGATTCCAGGTAAGGGGTTCCCTCTGAAAGGAATGGGAGAAGTTTA-3'